The following is an entry in ClinVar:

ClinVar aggregate classification (germline): Conflicting classifications of pathogenicity. Review status: criteria provided, conflicting classifications (1 of 4 stars). 4 submissions from 4 submitters: Uncertain significance (3); Likely benign (1). Last evaluated 2025-11-20.

Conditions:
Myoclonic dystonia 11 (DYT11). Also called: DYT-SGCE; Myoclonic dystonia; Dystonia 11; Dystonia, alcohol responsive; Hereditary essential myoclonus; SGCE Myoclonus-Dystonia. Identifiers: Orphanet 36899, MedGen C1834570, MONDO:0008044, OMIM 159900.

Allele frequency attached by ClinVar (database versions not stated): gnomAD 0.00003; gnomAD exomes 0.00003 and 0.00008; ExAC 0.00005; TOPMed 0.00005.
gnomAD v4.1: 44 of 1,611,536 alleles (0.0027%); highest among the groups gnomAD compares: Middle Eastern, 0.033%; no homozygotes.

Submissions (4):

Women's Health and Genetics/Laboratory Corporation of America, LabCorp
Classification: Uncertain significance. Last evaluated: 2025-11-20. Review status: criteria provided, single submitter. Criteria: LabCorp Variant Classification Summary - May 2015. Collection method: clinical testing. Allele origin: germline.
Comment: Variant summary: SGCE c.470C>T (p.Pro157Leu) results in a non-conservative amino acid change in the encoded protein sequence. Algorithms developed to predict the effect of missense changes on protein structure and function all suggest that this variant is likely to be disruptive. The variant allele was found at a frequency of 7.6e-05 in 249616 control chromosomes. This frequency is not significantly higher than estimated for disease-causing variants in SGCE, allowing no conclusion about variant significance. To our knowledge, no occurrence of c.470C>T in individuals affected with SGCE-related conditions and no experimental evidence demonstrating its impact on protein function have been reported. ClinVar contains an entry for this variant (Variation ID: 464156). Based on the evidence outlined above, the variant was classified as uncertain significance.

Labcorp Genetics (formerly Invitae), Labcorp
Classification: Uncertain significance for Myoclonic dystonia 11. Last evaluated: 2025-06-09. Review status: criteria provided, single submitter. Criteria: Invitae Variant Classification Sherloc (09022015). Collection method: clinical testing. Allele origin: germline.
Comment: This sequence change replaces proline, which is neutral and non-polar, with leucine, which is neutral and non-polar, at codon 157 of the SGCE protein (p.Pro157Leu). This variant is present in population databases (rs768233445, gnomAD 0.03%), and has an allele count higher than expected for a pathogenic variant. This variant has not been reported in the literature in individuals affected with SGCE-related conditions. ClinVar contains an entry for this variant (Variation ID: 464156). Invitae Evidence Modeling of protein sequence and biophysical properties (such as structural, functional, and spatial information, amino acid conservation, physicochemical variation, residue mobility, and thermodynamic stability) indicates that this missense variant is not expected to disrupt SGCE protein function with a negative predictive value of 80%. In summary, the available evidence is currently insufficient to determine the role of this variant in disease. Therefore, it has been classified as a Variant of Uncertain Significance.

Revvity Omics, Revvity
Classification: Uncertain significance for Myoclonic dystonia 11. Last evaluated: 2021-02-11. Review status: criteria provided, single submitter. Criteria: ACMG Guidelines, 2015. Collection method: clinical testing. Allele origin: germline.

Illumina Laboratory Services, Illumina
Classification: Likely benign for Myoclonic dystonia 11. Last evaluated: 2018-01-12. Review status: criteria provided, single submitter. Criteria: ICSL Variant Classification Criteria 13 December 2019. Collection method: clinical testing. Allele origin: germline.
Comment: This variant was observed in the ICSL laboratory as part of a predisposition screen in an ostensibly healthy population. It had not been previously curated by ICSL or reported in the Human Gene Mutation Database (HGMD: prior to June 1st, 2018), and was therefore a candidate for classification through an automated scoring system. Utilizing variant allele frequency, disease prevalence and penetrance estimates, and inheritance mode, an automated score was calculated to assess if this variant is too frequent to cause the disease. Based on the score and internal cut-off values, a variant classified as likely benign is not then subjected to further curation. The score for this variant resulted in a classification of likely benign for this disease.

NM_003919.3(SGCE):c.470C>T (p.Pro157Leu)

Genes: CASD1 (CAS1 domain sialic acid O acetyltransferase 1; plus strand), SGCE (sarcoglycan epsilon; minus strand). Cytogenetic location: 7q21.3.
Variant type: single nucleotide variant.
Coding change: c.470C>T on transcript NM_003919.3 (MANE Select); coding-DNA position 470, C replaced by T.
Protein change: p.Pro157Leu; replaces proline 157 with leucine.
Molecular consequence: missense variant.
Genome position (GRCh38, 1-based): chr7:94,618,950, G>A on the plus strand (C>T on the coding strand, the complement: SGCE is on the minus strand). VCF-style: chr7-94618950-G-A. GRCh37 (hg19) VCF-style: chr7-94248262-G-A.
Other names: c.578C>T, p.Pro193Leu (NM_001346715.2, NM_001346713.2); c.470C>T, p.Pro157Leu (NM_001346717.2, NM_001099400.2, NM_001099401.2); c.383C>T, p.Pro128Leu (NM_001346719.2, NM_001362807.2); c.197C>T, p.Pro66Leu (NM_001346720.2, NM_001362808.2); c.347C>T, p.Pro116Leu (NM_001362809.2, NM_001301139.2); short protein forms P157L, P66L, P116L, P193L, P128L.
Identifiers: ClinVar variation 464156 (VCV000464156.16), dbSNP rs768233445, ClinGen allele CA4348786.